The following is an entry in ClinVar:

ClinVar aggregate classification (germline): Pathogenic (1 of 4 stars; one submission).

Conditions:
VPS13A-related neurodegenerative disease. Also called: ACANTHOCYTOSIS WITH NEUROLOGIC DISORDER; LEVINE-CRITCHLEY SYNDROME; Choreoacanthocytosis; Chorea-acanthocytosis; Choreaacanthocytosis; VPS13A Disease. Identifiers: Orphanet 2388, MedGen C0393576, MONDO:0008695, OMIM 200150.

Submission:

Myriad Genetics, Inc.
Classification: Pathogenic for VPS13A-related neurodegenerative disease. Last evaluated: 2024-10-31. Review status: criteria provided, single submitter. Criteria: Myriad Autosomal Dominant, Autosomal Recessive and X-Linked Classification Criteria (2023). Collection method: clinical testing. Allele origin: unknown.
Comment: NM_033305.2(VPS13A):c.5853delT(D1952Ifs*5) is expected to be pathogenic in the context of VPS13A disease. This variant is predicted to lead to an abnormal or absent protein product due to the creation of a premature termination codon in VPS13A, a gene where loss-of-function variants are known to be pathogenic. Please note: this variant was assessed in the context of healthy population screening.

NM_033305.3(VPS13A):c.5853del (p.Asp1952fs)

Gene: VPS13A (vacuolar protein sorting 13 homolog A; plus strand). Cytogenetic location: 9q21.2.
Variant type: Deletion.
Coding change: c.5853del on transcript NM_033305.3 (MANE Select); coding-DNA position 5853, one base deleted (T; older notation c.5853delT).
Protein change: p.Asp1952fs; shifts the reading frame from aspartic acid 1952.
Molecular consequence: frameshift variant.
Genome position (GRCh38, 1-based): chr9:77,323,089, T deleted. VCF-style (leftmost placement, unchanged base first): chr9-77323088-CT-C. GRCh37 (hg19) VCF-style: chr9-79938004-CT-C.
Other names: c.5736del, p.Asp1913fs (NM_001018037.2); c.5853del, p.Asp1952fs (NM_001018038.3, NM_015186.4); short protein forms D1913fs, D1952fs.
Identifiers: ClinVar variation 5013688 (VCV005013688.1).
Genomic context (GRCh38, chr9:77,323,088, plus strand): 5'-ATTATAATAAAAACTTTTAAACATACTTACTTAATTTAGCACCTGTTAACCATTCTACTG[CT>C]GATAAGATTCCTTTAACAAAAGTGGGACGACGTCTGTACACTGTAAGACACAGAGAGTCT-3'